The following is an entry in ClinVar:

ClinVar aggregate classification (germline): Uncertain significance (1 of 4 stars; one submission).

Conditions:
Xanthinuria type II. Also called: Xanthine dehydrogenase and aldehyde oxidase combined deficiency of; XDH and AOX dual deficiency. Identifiers: Orphanet 3467, Orphanet 93602, MedGen C1863688, MONDO:0011346, OMIM 603592.

Submission:

Labcorp Genetics (formerly Invitae), Labcorp
Classification: Uncertain significance for Xanthinuria type II. Last evaluated: 2025-10-03. Review status: criteria provided, single submitter. Criteria: Invitae Variant Classification Sherloc (09022015). Collection method: clinical testing. Allele origin: germline.
Comment: This sequence change replaces alanine, which is neutral and non-polar, with valine, which is neutral and non-polar, at codon 317 of the XDH protein (p.Ala317Val). This variant is not present in population databases (gnomAD no frequency). This variant has not been reported in the literature in individuals affected with XDH-related conditions. An algorithm developed to predict the effect of missense changes on protein structure and function (PolyPhen-2) suggests that this variant is likely to be tolerated. In summary, the available evidence is currently insufficient to determine the role of this variant in disease. Therefore, it has been classified as a Variant of Uncertain Significance.

NM_000379.4(XDH):c.950C>T (p.Ala317Val)

Gene: XDH (xanthine dehydrogenase; minus strand). Cytogenetic location: 2p23.1.
Variant type: single nucleotide variant.
Coding change: c.950C>T on transcript NM_000379.4 (MANE Select); coding-DNA position 950, C replaced by T.
Protein change: p.Ala317Val; replaces alanine 317 with valine.
Molecular consequence: missense variant.
Genome position (GRCh38, 1-based): chr2:31,383,089, G>A on the plus strand (C>T on the coding strand, the complement: XDH is on the minus strand). VCF-style: chr2-31383089-G-A. GRCh37 (hg19) VCF-style: chr2-31605955-G-A.
Other names: short protein forms A317V.
Identifiers: ClinVar variation 4727788 (VCV004727788.1).